The following is an entry in ClinVar:

NM_004963.4(GUCY2C):c.2020A>T (p.Ile674Phe)

Gene: GUCY2C (guanylate cyclase 2C; minus strand). Cytogenetic location: 12p12.3.
Variant type: single nucleotide variant.
Coding change: c.2020A>T on transcript NM_004963.4 (MANE Select); coding-DNA position 2020, A replaced by T.
Protein change: p.Ile674Phe; replaces isoleucine 674 with phenylalanine.
Molecular consequence: missense variant.
Genome position (GRCh38, 1-based): chr12:14,641,130, T>A on the plus strand (A>T on the coding strand, the complement: GUCY2C is on the minus strand). VCF-style: chr12-14641130-T-A. GRCh37 (hg19) VCF-style: chr12-14794064-T-A.
Other names: short protein forms I674F.
Identifiers: ClinVar variation 1935641 (VCV001935641.5), dbSNP rs2497680913, ClinGen allele CA383984012.

ClinVar aggregate classification (germline): Uncertain significance (1 of 4 stars; one submission).

Submission:

Labcorp Genetics (formerly Invitae), Labcorp
Classification: Uncertain significance. Last evaluated: 2022-06-24. Review status: criteria provided, single submitter. Criteria: Invitae Variant Classification Sherloc (09022015). Collection method: clinical testing. Allele origin: germline.
Comment: This sequence change replaces isoleucine, which is neutral and non-polar, with phenylalanine, which is neutral and non-polar, at codon 674 of the GUCY2C protein (p.Ile674Phe). This variant is not present in population databases (gnomAD no frequency). This variant has not been reported in the literature in individuals affected with GUCY2C-related conditions. Algorithms developed to predict the effect of missense changes on protein structure and function are either unavailable or do not agree on the potential impact of this missense change (SIFT: "Deleterious"; PolyPhen-2: "Possibly Damaging"; Align-GVGD: "Class C0"). In summary, the available evidence is currently insufficient to determine the role of this variant in disease. Therefore, it has been classified as a Variant of Uncertain Significance.